The following is an entry in ClinVar:

ClinVar aggregate classification (germline): Uncertain significance (1 of 4 stars; one submission).

Conditions:
Charcot-Marie-Tooth disease type 2A2. Also called: CHARCOT-MARIE-TOOTH DISEASE, AXONAL, TYPE 2A2; CHARCOT-MARIE-TOOTH DISEASE, AXONAL, AUTOSOMAL DOMINANT, TYPE 2A2A; Charcot-Marie-Tooth Neuropathy Type 2A2; CHARCOT-MARIE-TOOTH DISEASE, NEURONAL, TYPE 2A2; HEREDITARY MOTOR AND SENSORY NEUROPATHY IIA2; HMSN IIA2. Identifiers: Orphanet 99947, MedGen C4721887, MONDO:0012231, OMIM 609260.

Submission:

Baylor Genetics
Classification: Uncertain significance for Charcot-Marie-Tooth disease type 2A2. Last evaluated: 2020-06-03. Review status: criteria provided, single submitter. Criteria: ACMG Guidelines, 2015. Collection method: clinical testing. Allele origin: unknown. Affected: yes.
Comment: This variant was determined to be of uncertain significance according to ACMG Guidelines, 2015 [PMID:25741868].

NM_014874.4(MFN2):c.515A>G (p.Gln172Arg)

Gene: MFN2 (mitofusin 2; plus strand). Cytogenetic location: 1p36.22.
Variant type: single nucleotide variant.
Coding change: c.515A>G on transcript NM_014874.4 (MANE Select); coding-DNA position 515, A replaced by G.
Protein change: p.Gln172Arg; replaces glutamine 172 with arginine.
Molecular consequence: missense variant.
Genome position (GRCh38, 1-based): chr1:11,997,337, A>G. VCF-style: chr1-11997337-A-G. GRCh37 (hg19) VCF-style: chr1-12057394-A-G.
Other names: c.515A>G, p.Gln172Arg (NM_001127660.2); short protein forms Q172R.
Identifiers: ClinVar variation 1030438 (VCV001030438.1), dbSNP rs1638957491, ClinGen allele CA338436393.